The following is an entry in ClinVar:

NM_018149.7(SMG8):c.1863T>A (p.Asp621Glu)

Gene: SMG8 (SMG8 nonsense mediated mRNA decay factor; plus strand). Cytogenetic location: 17q22.
Variant type: single nucleotide variant.
Coding change: c.1863T>A on transcript NM_018149.7 (MANE Select); coding-DNA position 1863, T replaced by A.
Protein change: p.Asp621Glu; replaces aspartic acid 621 with glutamic acid.
Molecular consequence: missense variant.
Genome position (GRCh38, 1-based): chr17:59,212,444, T>A. VCF-style: chr17-59212444-T-A. GRCh37 (hg19) VCF-style: chr17-57289805-T-A.
Other names: short protein forms D621E.
Identifiers: ClinVar variation 2647982 (VCV002647982.24), dbSNP rs142548382, ClinGen allele CA8679676.

ClinVar aggregate classification (germline): Likely benign (1 of 4 stars; one submission).

Allele frequency attached by ClinVar (database versions not stated): 1000 Genomes Project 0.00280; 1000 Genomes Project 30x 0.00281; TOPMed 0.00326; ESP Exome Variant Server 0.00369; ExAC 0.00515; gnomAD exomes 0.00604.
gnomAD v4.1: 9,379 of 1,609,088 alleles (0.58%); highest among the groups gnomAD compares: South Asian, 0.67%; 41 homozygotes.

Submission:

CeGaT Center for Human Genetics Tuebingen
Classification: Likely benign. Last evaluated: 2026-08-01. Review status: criteria provided, single submitter. Criteria: CeGaT Center For Human Genetics Tuebingen Variant Classification Criteria Version 2. Collection method: clinical testing. Allele origin: germline. Affected: yes. Observed: 13 variant alleles.
Comment: SMG8: BS2